The following is an entry in ClinVar:

NM_001257180.2(SLC20A2):c.1387C>A (p.Pro463Thr)

Gene: SLC20A2 (solute carrier family 20 member 2; minus strand). Cytogenetic location: 8p11.21.
Variant type: single nucleotide variant.
Coding change: c.1387C>A on transcript NM_001257180.2 (MANE Select); coding-DNA position 1387, C replaced by A.
Protein change: p.Pro463Thr; replaces proline 463 with threonine.
Molecular consequence: missense variant.
Genome position (GRCh38, 1-based): chr8:42,437,125, G>T on the plus strand (C>A on the coding strand, the complement: SLC20A2 is on the minus strand). VCF-style: chr8-42437125-G-T. GRCh37 (hg19) VCF-style: chr8-42294643-G-T.
Other names: c.1387C>A, p.Pro463Thr (NM_001257181.2, NM_006749.5); short protein forms P463T.
Identifiers: ClinVar variation 2965498 (VCV002965498.3), dbSNP rs758967138, ClinGen allele CA371096796.

ClinVar aggregate classification (germline): Uncertain significance (1 of 4 stars; one submission).

Allele frequency attached by ClinVar (database versions not stated): gnomAD 0.00001.
gnomAD v4.1: 4 of 1,613,740 alleles (0.00025%); highest among the groups gnomAD compares: Non-Finnish European, 0.00034%; no homozygotes.

Submission:

Labcorp Genetics (formerly Invitae), Labcorp
Classification: Uncertain significance. Last evaluated: 2024-06-03. Review status: criteria provided, single submitter. Criteria: Invitae Variant Classification Sherloc (09022015). Collection method: clinical testing. Allele origin: germline.
Comment: This sequence change replaces proline, which is neutral and non-polar, with threonine, which is neutral and polar, at codon 463 of the SLC20A2 protein (p.Pro463Thr). This variant is not present in population databases (gnomAD no frequency). This variant has not been reported in the literature in individuals affected with SLC20A2-related conditions. Advanced modeling of protein sequence and biophysical properties (such as structural, functional, and spatial information, amino acid conservation, physicochemical variation, residue mobility, and thermodynamic stability) performed at Invitae indicates that this missense variant is not expected to disrupt SLC20A2 protein function with a negative predictive value of 80%. In summary, the available evidence is currently insufficient to determine the role of this variant in disease. Therefore, it has been classified as a Variant of Uncertain Significance.